The following is an entry in ClinVar:

NM_025207.5(FLAD1):c.682C>T (p.Arg228Cys)

Gene: FLAD1 (flavin adenine dinucleotide synthetase 1; plus strand). Cytogenetic location: 1q21.3.
Variant type: single nucleotide variant.
Coding change: c.682C>T on transcript NM_025207.5 (MANE Select); coding-DNA position 682, C replaced by T.
Protein change: p.Arg228Cys; replaces arginine 228 with cysteine.
Molecular consequence: missense variant.
Genome position (GRCh38, 1-based): chr1:154,988,414, C>T. VCF-style: chr1-154988414-C-T. GRCh37 (hg19) VCF-style: chr1-154960890-C-T.
Other names: c.391C>T, p.Arg131Cys (NM_001184891.2, NM_201398.3); c.385C>T, p.Arg129Cys (NM_001184892.2); short protein forms R129C, R228C, R131C.
Identifiers: ClinVar variation 2179840 (VCV002179840.1), dbSNP rs374803472, ClinGen allele CA1134370.

ClinVar aggregate classification (germline): Uncertain significance (1 of 4 stars; one submission).

Allele frequency attached by ClinVar (database versions not stated): ExAC 0.00001; gnomAD exomes 0.00003; gnomAD 0.00006; TOPMed 0.00006; ESP Exome Variant Server 0.00008.
gnomAD v4.1: 46 of 1,614,106 alleles (0.0028%); highest among the groups gnomAD compares: African/African-American, 0.0067%; no homozygotes.

Submission:

Labcorp Genetics (formerly Invitae), Labcorp
Classification: Uncertain significance. Last evaluated: 2022-04-29. Review status: criteria provided, single submitter. Criteria: Invitae Variant Classification Sherloc (09022015). Collection method: clinical testing. Allele origin: germline.
Comment: This sequence change replaces arginine, which is basic and polar, with cysteine, which is neutral and slightly polar, at codon 228 of the FLAD1 protein (p.Arg228Cys). This variant is present in population databases (rs374803472, gnomAD 0.006%). This variant has not been reported in the literature in individuals affected with FLAD1-related conditions. Algorithms developed to predict the effect of missense changes on protein structure and function output the following: SIFT: "Deleterious"; PolyPhen-2: "Probably Damaging"; Align-GVGD: "Class C15". The cysteine amino acid residue is found in multiple mammalian species, which suggests that this missense change does not adversely affect protein function. In summary, the available evidence is currently insufficient to determine the role of this variant in disease. Therefore, it has been classified as a Variant of Uncertain Significance.